The following is an entry in ClinVar:

ClinVar aggregate classification (germline): Uncertain significance (1 of 4 stars; one submission).

Conditions:
Fabry disease. Also called: Fabry's disease; ALPHA-GALACTOSIDASE A DEFICIENCY; ANDERSON-FABRY DISEASE; CERAMIDE TRIHEXOSIDASE DEFICIENCY; GLA DEFICIENCY; HEREDITARY DYSTOPIC LIPIDOSIS. Identifiers: Orphanet 324, MedGen C0002986, MONDO:0010526, OMIM 301500, HP:0001071. Disease mechanism: Fabry disease is due to inactivating mutations in the X-linked GLA gene resulting in deficiency of the enzyme Alpha Galactosidase-A., loss of function.

Submission:

Genomenon, Inc
Classification: Uncertain significance for Fabry disease. Last evaluated: 2026-09-08. Review status: criteria provided, single submitter. Criteria: Genomenon Sequence Variant Interpretation Standards - Updated. Collection method: curation. Allele origin: germline. Affected: no.
Comment: GLA p.Ile407Val (c.1219A>G) is a missense variant that changes the amino acid at codon 407 from Isoleucine to Valine. This variant has been reported in the published literature (PMID:27657681). It is absent or not present at a significant frequency in gnomAD. In conclusion, we classify GLA p.Ile407Val (c.1219A>G) as a variant of uncertain significance.

Literature cited by the submitters: PubMed 27657681.

NM_000169.3(GLA):c.1219A>G (p.Ile407Val)

Genes: GLA (galactosidase alpha; minus strand), RPL36A-HNRNPH2 (RPL36A-HNRNPH2 readthrough; plus strand). Cytogenetic location: Xq22.1.
Variant type: single nucleotide variant.
Coding change: c.1219A>G on transcript NM_000169.3 (MANE Select); coding-DNA position 1219, A replaced by G.
Protein change: p.Ile407Val; replaces isoleucine 407 with valine.
Molecular consequence: missense variant. On other transcripts: non-coding transcript variant (3), intron variant (2).
Genome position (GRCh38, 1-based): chrX:101,397,880, T>C on the plus strand (A>G on the coding strand, the complement: GLA is on the minus strand). VCF-style: chrX-101397880-T-C. GRCh37 (hg19) VCF-style: chrX-100652868-T-C.
Other names: c.1342A>G, p.Ile448Val (NM_001406747.1); c.300+2423T>C (NM_001199973.2); c.177+6058T>C (NM_001199974.2); short protein forms I407V, I448V.
Identifiers: ClinVar variation 4974847 (VCV004974847.1).